The following is an entry in ClinVar:

NM_018105.3(THAP1):c.496G>A (p.Ala166Thr)

Gene: THAP1 (THAP domain containing 1; minus strand). Cytogenetic location: 8p11.21.
Variant type: single nucleotide variant.
Coding change: c.496G>A on transcript NM_018105.3 (MANE Select); coding-DNA position 496, G replaced by A.
Protein change: p.Ala166Thr; replaces alanine 166 with threonine.
Molecular consequence: missense variant. On other transcripts: 3 prime UTR variant (1).
Genome position (GRCh38, 1-based): chr8:42,838,108, C>T on the plus strand (G>A on the coding strand, the complement: THAP1 is on the minus strand). VCF-style: chr8-42838108-C-T. GRCh37 (hg19) VCF-style: chr8-42693251-C-T.
Other names: c.*138G>A (NM_199003.2); short protein forms A166T.
Identifiers: ClinVar variation 3665863 (VCV003665863.2).

ClinVar aggregate classification (germline): Uncertain significance (1 of 4 stars; one submission).

Conditions:
Torsion dystonia 6 (DYT6). Also called: DYT-THAP1. Identifiers: Orphanet 98806, MedGen C1414216, MONDO:0011264, OMIM 602629.

Submission:

Labcorp Genetics (formerly Invitae), Labcorp
Classification: Uncertain significance for Torsion dystonia 6. Last evaluated: 2025-03-09. Review status: criteria provided, single submitter. Criteria: Invitae Variant Classification Sherloc (09022015). Collection method: clinical testing. Allele origin: germline.
Comment: This sequence change replaces alanine, which is neutral and non-polar, with threonine, which is neutral and polar, at codon 166 of the THAP1 protein (p.Ala166Thr). This variant is present in population databases (rs138918468, gnomAD 0.004%). This missense change has been observed in individuals with THAP1-related conditions (PMID: 20083799, 23180184). An algorithm developed to predict the effect of missense changes on protein structure and function (PolyPhen-2) suggests that this variant is likely to be tolerated. Experimental studies have shown that this missense change does not substantially affect THAP1 function (PMID: 21752024). In summary, the available evidence is currently insufficient to determine the role of this variant in disease. Therefore, it has been classified as a Variant of Uncertain Significance.

Literature cited by the submitters: PubMed 20083799; PubMed 23180184; PubMed 21752024.